The following is an entry in ClinVar:

NM_000256.3(MYBPC3):c.1062C>A (p.Gly354=)

Gene: MYBPC3 (myosin binding protein C3; minus strand). Cytogenetic location: 11p11.2.
Variant type: single nucleotide variant.
Coding change: c.1062C>A on transcript NM_000256.3 (MANE Select); coding-DNA position 1062, C replaced by A.
Protein change: p.Gly354=; no amino-acid change (glycine 354 retained).
Molecular consequence: synonymous variant.
Genome position (GRCh38, 1-based): chr11:47,346,235, G>T on the plus strand (C>A on the coding strand, the complement: MYBPC3 is on the minus strand). VCF-style: chr11-47346235-G-T. GRCh37 (hg19) VCF-style: chr11-47367786-G-T.
Other names: c.1062C>A, p.Gly354= (LRG_386t1).
Identifiers: ClinVar variation 512054 (VCV000512054.3), dbSNP rs1555122748, ClinGen allele CA474220795.
Genomic context (GRCh38, chr11:47,346,235, plus strand): 5'-CCCTCTCCTCTCCCCTCTGAGGAAGGGCTAACCTGTGCTCTTCTTCTCATCGCGCCTCAT[G>T]CCCTTGAGCCTCTTTAGCATGCCGCGCAGGTCAGTGACGCCGTACTGGAAGGCGATGCGC-3'
Protein context (NP_000247.2, residues 344-364): DLRGMLKRLK[Gly354=]MRRDEKKSTA

ClinVar aggregate classification (germline): Likely benign. Review status: criteria provided, multiple submitters, no conflicts (2 of 4 stars). 2 submissions from 2 submitters: Likely benign (2). Last evaluated 2018-10-16.

Conditions:
Cardiomyopathy (CMYO). Also called: Cardiomyopathies. Identifiers: Orphanet 167848, MedGen C0878544, MONDO:0004994, HP:0001638. Inheritance: Various modes of inheritance.

gnomAD v4.1: 1 of 1,613,908 alleles (0.000062%); no homozygotes.

Submissions (2):

Color Diagnostics, LLC DBA Color Health
Classification: Likely benign for Cardiomyopathy. Last evaluated: 2018-10-16. Review status: criteria provided, single submitter. Criteria: ACMG Guidelines, 2015. Collection method: clinical testing. Allele origin: germline.

GeneDx
Classification: Likely benign. Last evaluated: 2017-09-14. Review status: criteria provided, single submitter. Criteria: GeneDx Variant Classification (06012015). Collection method: clinical testing. Allele origin: germline. Affected: yes.
Comment: This variant is considered likely benign or benign based on one or more of the following criteria: it is a conservative change, it occurs at a poorly conserved position in the protein, it is predicted to be benign by multiple in silico algorithms, and/or has population frequency not consistent with disease.